The following is an entry in ClinVar:

NM_001349884.2(DRAM2):c.626C>T (p.Thr209Ile)

Gene: DRAM2 (DNA damage regulated autophagy modulator 2; minus strand). Cytogenetic location: 1p13.3.
Variant type: single nucleotide variant.
Coding change: c.626C>T on transcript NM_001349884.2 (MANE Select); coding-DNA position 626, C replaced by T.
Protein change: p.Thr209Ile; replaces threonine 209 with isoleucine.
Molecular consequence: missense variant. On other transcripts: non-coding transcript variant (8).
Genome position (GRCh38, 1-based): chr1:111,118,872, G>A on the plus strand (C>T on the coding strand, the complement: DRAM2 is on the minus strand). VCF-style: chr1-111118872-G-A. GRCh37 (hg19) VCF-style: chr1-111661494-G-A.
Other names: c.626C>T, p.Thr209Ile (NM_001349881.2, NM_001349882.2, NM_001349885.2 and 1 more transcripts); c.356C>T, p.Thr119Ile (NM_001349886.2, NM_001349887.2, NM_001349888.2); c.236C>T, p.Thr79Ile (NM_001349889.2, NM_001349890.2, NM_001349891.2 and 2 more transcripts); short protein forms T209I, T119I, T79I.
Identifiers: ClinVar variation 1035951 (VCV001035951.6), dbSNP rs1649434168, ClinGen allele CA341818387.
Genomic context (GRCh38, chr1:111,118,872, plus strand): 5'-TCACGAATGTAAGTCAGGAAAAAACCAAAGAAGGAAAATGACATAGACCATTCTGCTGCA[G>A]TAGTGATCATGTGAAGCACATAACCCTGAGTGATGGGAAAAAAAGAATAGTTTTGTGAAA-3'
Protein context (NP_001336813.1, residues 199-219): DKGYVLHMIT[Thr209Ile]AAEWSMSFSF

ClinVar aggregate classification (germline): Uncertain significance (1 of 4 stars; one submission).

Allele frequency attached by ClinVar (database versions not stated): gnomAD exomes 0.00001.
gnomAD v4.1: 8 of 1,609,482 alleles (0.0005%); highest among the groups gnomAD compares: African/African-American, 0.0067%; no homozygotes.

Submission:

Labcorp Genetics (formerly Invitae), Labcorp
Classification: Uncertain significance. Last evaluated: 2020-10-01. Review status: criteria provided, single submitter. Criteria: Invitae Variant Classification Sherloc (09022015). Collection method: clinical testing. Allele origin: germline.
Comment: In summary, the available evidence is currently insufficient to determine the role of this variant in disease. Therefore, it has been classified as a Variant of Uncertain Significance. Algorithms developed to predict the effect of missense changes on protein structure and function are either unavailable or do not agree on the potential impact of this missense change (SIFT: "Deleterious"; PolyPhen-2: "Probably Damaging"; Align-GVGD: "Class C0"). This variant has not been reported in the literature in individuals with DRAM2-related conditions. This variant is not present in population databases (ExAC no frequency). This sequence change replaces threonine with isoleucine at codon 209 of the DRAM2 protein (p.Thr209Ile). The threonine residue is moderately conserved and there is a moderate physicochemical difference between threonine and isoleucine.